The following is an entry in ClinVar:

ClinVar aggregate classification (germline): Pathogenic/Likely pathogenic. Review status: criteria provided, multiple submitters, no conflicts (2 of 4 stars). 5 submissions from 5 submitters: Pathogenic (3); Likely pathogenic (2). Last evaluated 2025-06-28.

Conditions:
Methylmalonic acidemia (MMA). Also called: Isolated Methylmalonic Acidemia. Identifiers: MedGen C0268583, MeSH C537358, MONDO:0002012, HP:0002912.
Methylmalonic aciduria due to methylmalonyl-CoA mutase deficiency (MAMM). Also called: Methylmalonic aciduria, mut type. Identifiers: Orphanet 27, MedGen C1855114, MONDO:0009612, OMIM 251000.

gnomAD v4.1: 1 of 1,610,968 alleles (0.000062%); highest among the groups gnomAD compares: Non-Finnish European, 0.000085%; no homozygotes.

Submissions (5):

Immunogenetics and Transplant Biology Service, University Hospital "Città della Salute e della Scienza di Torino"
Classification: Pathogenic for Methylmalonic aciduria due to methylmalonyl-CoA mutase deficiency. Last evaluated: 2025-06-28. Review status: criteria provided, single submitter. Criteria: ACMG Guidelines, 2015. Collection method: clinical testing. Allele origin: germline. Affected: yes.

Servicio de Genética Del Instituto Nacional de Salud Del Niño, Ministerio de Salud
Classification: Likely pathogenic for Methylmalonic aciduria due to methylmalonyl-CoA mutase deficiency. Last evaluated: 2024-11-18. Review status: criteria provided, single submitter. Criteria: ACMG Guidelines, 2015. Collection method: clinical testing. Allele origin: germline. Inheritance: Autosomal recessive inheritance. Affected: yes.
Comment: These variants may impact enzyme function, potentially leading to altered methylmalonic acid metabolism. Based on ACMG/AMP guidelines, these variants should be evaluated for criteria such as PM3 (for compound heterozygosity), PP3 (in silico predictions), and any functional studies supporting pathogenicity. Further clinical correlation and segregation analysis are recommended to clarify their significance

Labcorp Genetics (formerly Invitae), Labcorp
Classification: Pathogenic. Last evaluated: 2024-10-15. Review status: criteria provided, single submitter. Criteria: Invitae Variant Classification Sherloc (09022015). Collection method: clinical testing. Allele origin: germline.
Comment: This sequence change replaces serine, which is neutral and polar, with asparagine, which is neutral and polar, at codon 262 of the MUT protein (p.Ser262Asn). This variant is not present in population databases (gnomAD no frequency). This missense change has been observed in individual(s) with methylmalonic acidemia (PMID: 15643616, 16281286, 16435223). ClinVar contains an entry for this variant (Variation ID: 1499715). Invitae Evidence Modeling of protein sequence and biophysical properties (such as structural, functional, and spatial information, amino acid conservation, physicochemical variation, residue mobility, and thermodynamic stability) indicates that this missense variant is expected to disrupt MUT protein function with a positive predictive value of 95%. Algorithms developed to predict the effect of sequence changes on RNA splicing suggest that this variant may create or strengthen a splice site. For these reasons, this variant has been classified as Pathogenic.

Women's Health and Genetics/Laboratory Corporation of America, LabCorp
Classification: Likely pathogenic for Methylmalonic acidemia. Last evaluated: 2024-04-11. Review status: criteria provided, single submitter. Criteria: LabCorp Variant Classification Summary - May 2015. Collection method: clinical testing. Allele origin: germline.
Comment: Variant summary: MUT c.785G>A (p.Ser262Asn) results in a conservative amino acid change located in the methylmalonyl-CoA mutase, alpha chain, catalytic domain (IPR006098) of the encoded protein sequence. Four of five in-silico tools predict a damaging effect of the variant on protein function. The variant was absent in 251096 control chromosomes (gnomAD). c.785G>A has been reported in the literature in the compound heterozygous state in at least three individuals affected with Methylmalonic Acidemia (e.g. Acquaviva_2005, Cavicchi_2005, Worgan_2006, Horster_2021). These data indicate that the variant may be associated with disease. At least one publication reports that mutase activity in fibroblasts from a compound heterozygous patient with a loss of function variant in trans was 2% of normal, indicating this variant likely results in reduced protein function (Horster_2021). The following publications have been ascertained in the context of this evaluation (PMID: 15643616, 16435223, 31792768, 16281286). ClinVar contains an entry for this variant (Variation ID: 1499715). Based on the evidence outlined above, the variant was classified as likely pathogenic.

Rady Children's Institute for Genomic Medicine, Rady Children's Hospital San Diego
Classification: Pathogenic for METHYLMALONIC ACIDURIA DUE TO METHYLMALONYL-CoA MUTASE DEFICIENCY. Last evaluated: 2024-03-04. Review status: criteria provided, single submitter. Criteria: ACMG Guidelines, 2015. Collection method: clinical testing. Allele origin: germline. Affected: yes.
Comment: The c.785G>A (p.Ser262Asn) variant affects a highly conserved amino acid and is predicted by multiple in silico tools to have a deleterious effect on protein function. This variant has been previously reported as a compound heterozygous change in individuals with methylmalonic aciduria (PMID: 15643616, 16281286, 16435223). The c.785G>A (p.Ser262Asn) variant is located in the N-terminal, which is a known hotspot domain for pathogenic variations associated with methylmalonic aciduria (mut0 subtype) (PMID: 15643616, 20301409). Different amino acid changes at the same residue (p.Ser262Arg) have been previously reported in individuals with methylmalonic aciduria (PMID: 21671183, 36717752). The c.785G>A (p.Ser262Asn) variant is absent from the gnomAD v4 population database and thus is presumed to be rare. Based on the available evidence, c.785G>A (p.Ser262Asn) is classified as Pathogenic.

Literature cited by the submitters: PubMed 15643616 (cited by Labcorp Genetics (formerly Invitae), Labcorp and Women's Health and Genetics/Laboratory Corporation of America, LabCorp); PubMed 16281286 (cited by Labcorp Genetics (formerly Invitae), Labcorp and Women's Health and Genetics/Laboratory Corporation of America, LabCorp); PubMed 16435223 (cited by Labcorp Genetics (formerly Invitae), Labcorp and Women's Health and Genetics/Laboratory Corporation of America, LabCorp); PubMed 31792768 (cited by Women's Health and Genetics/Laboratory Corporation of America, LabCorp).

NM_000255.4(MMUT):c.785G>A (p.Ser262Asn)

Gene: MMUT (methylmalonyl-CoA mutase; minus strand). Cytogenetic location: 6p12.3.
Variant type: single nucleotide variant.
Coding change: c.785G>A on transcript NM_000255.4 (MANE Select); coding-DNA position 785, G replaced by A.
Protein change: p.Ser262Asn; replaces serine 262 with asparagine.
Molecular consequence: missense variant.
Genome position (GRCh38, 1-based): chr6:49,456,206, C>T on the plus strand (G>A on the coding strand, the complement: MMUT is on the minus strand). VCF-style: chr6-49456206-C-T. GRCh37 (hg19) VCF-style: chr6-49423919-C-T.
Other names: c.785G>A (NM_000255.3); short protein forms S262N.
Identifiers: ClinVar variation 1499715 (VCV001499715.11), dbSNP rs1767683356, ClinGen allele CA364402555.